The following is an entry in ClinVar:

ClinVar aggregate classification (germline): Uncertain significance. Review status: criteria provided, multiple submitters, no conflicts (2 of 4 stars). 2 submissions from 2 submitters: Uncertain significance (2). Last evaluated 2024-03-13.

Conditions:
Age related macular degeneration 9. Identifiers: MedGen C1969651, MONDO:0012659, OMIM 611378.
Atypical hemolytic-uremic syndrome with C3 anomaly. Also called: AHUS, SUSCEPTIBILITY TO, 5. Identifiers: Orphanet 2134, MedGen C2752037, MONDO:0013043, OMIM 612925.
Complement component 3 deficiency. Identifiers: Orphanet 280133, MedGen C3151071, MONDO:0013417, OMIM 613779.

Allele frequency attached by ClinVar (database versions not stated): gnomAD exomes below 0.00001; TOPMed below 0.00001.
gnomAD v4.1: 1 of 1,604,538 alleles (0.000062%); highest among the groups gnomAD compares: African/African-American, 0.0013%; no homozygotes.

Submissions (2):

Fulgent Genetics
Classification: Uncertain significance for Age related macular degeneration 9; Atypical hemolytic-uremic syndrome with C3 anomaly; Complement component 3 deficiency. Last evaluated: 2024-03-13. Review status: criteria provided, single submitter. Criteria: ACMG Guidelines, 2015. Collection method: clinical testing. Allele origin: germline.

Labcorp Genetics (formerly Invitae), Labcorp
Classification: Uncertain significance. Last evaluated: 2023-07-19. Review status: criteria provided, single submitter. Criteria: Invitae Variant Classification Sherloc (09022015). Collection method: clinical testing. Allele origin: germline.
Comment: In summary, the available evidence is currently insufficient to determine the role of this variant in disease. Therefore, it has been classified as a Variant of Uncertain Significance. Advanced modeling of protein sequence and biophysical properties (such as structural, functional, and spatial information, amino acid conservation, physicochemical variation, residue mobility, and thermodynamic stability) performed at Invitae indicates that this missense variant is not expected to disrupt C3 protein function. This variant has not been reported in the literature in individuals affected with C3-related conditions. This variant is present in population databases (no rsID available, gnomAD 0.007%). This sequence change replaces alanine, which is neutral and non-polar, with serine, which is neutral and polar, at codon 806 of the C3 protein (p.Ala806Ser).

NM_000064.4(C3):c.2416G>T (p.Ala806Ser)

Gene: C3 (complement C3; minus strand). Cytogenetic location: 19p13.3.
Variant type: single nucleotide variant.
Coding change: c.2416G>T on transcript NM_000064.4 (MANE Select); coding-DNA position 2416, G replaced by T.
Protein change: p.Ala806Ser; replaces alanine 806 with serine.
Molecular consequence: missense variant.
Genome position (GRCh38, 1-based): chr19:6,702,151, C>A on the plus strand (G>T on the coding strand, the complement: C3 is on the minus strand). VCF-style: chr19-6702151-C-A. GRCh37 (hg19) VCF-style: chr19-6702162-C-A.
Other names: short protein forms A806S.
Identifiers: ClinVar variation 2798308 (VCV002798308.4), dbSNP rs1448441857, ClinGen allele CA403634958.